The following is an entry in ClinVar:

NM_001003787.4(STRADA):c.274C>G (p.Pro92Ala)

Gene: STRADA (STE20 related adaptor alpha; minus strand). Cytogenetic location: 17q23.3.
Variant type: single nucleotide variant.
Coding change: c.274C>G on transcript NM_001003787.4 (MANE Select); coding-DNA position 274, C replaced by G.
Protein change: p.Pro92Ala; replaces proline 92 with alanine.
Molecular consequence: missense variant. On other transcripts: non-coding transcript variant (1).
Genome position (GRCh38, 1-based): chr17:63,713,480, G>C on the plus strand (C>G on the coding strand, the complement: STRADA is on the minus strand). VCF-style: chr17-63713480-G-C. GRCh37 (hg19) VCF-style: chr17-61790840-G-C.
Other names: c.163C>G, p.Pro55Ala (NM_001003786.3, NM_001363789.1, NM_153335.6); c.100C>G, p.Pro34Ala (NM_001003788.3, NM_001363790.1, NM_001363791.1); c.187C>G, p.Pro63Ala (NM_001165969.2, NM_001363787.1); c.142C>G, p.Pro48Ala (NM_001165970.2); c.250C>G, p.Pro84Ala (NM_001363786.1); c.274C>G, p.Pro92Ala (NM_001363788.1); short protein forms P34A, P48A, P55A, P84A, P92A, P63A.
Identifiers: ClinVar variation 647279 (VCV000647279.8), dbSNP rs1034960843, ClinGen allele CA292948310.

ClinVar aggregate classification (germline): Uncertain significance (1 of 4 stars; one submission).

Conditions:
Polyhydramnios, megalencephaly, and symptomatic epilepsy (PMSE). Also called: PMSE SYNDROME. Identifiers: Orphanet 500533, MedGen C1970203, MONDO:0012611, OMIM 611087.

Allele frequency attached by ClinVar (database versions not stated): gnomAD exomes below 0.00001.
gnomAD v4.1: 2 of 1,614,106 alleles (0.00012%); highest among the groups gnomAD compares: Non-Finnish European, 0.00017%; no homozygotes.

Submission:

Labcorp Genetics (formerly Invitae), Labcorp
Classification: Uncertain significance for Polyhydramnios, megalencephaly, and symptomatic epilepsy. Last evaluated: 2018-08-21. Review status: criteria provided, single submitter. Criteria: Invitae Variant Classification Sherloc (09022015). Collection method: clinical testing. Allele origin: germline.
Comment: In summary, the available evidence is currently insufficient to determine the role of this variant in disease. Therefore, it has been classified as a Variant of Uncertain Significance. Algorithms developed to predict the effect of missense changes on protein structure and function (SIFT, PolyPhen-2, Align-GVGD) all suggest that this variant is likely to be tolerated, but these predictions have not been confirmed by published functional studies and their clinical significance is uncertain. This variant has not been reported in the literature in individuals with STRADA-related disease. This variant is not present in population databases (ExAC no frequency). This sequence change replaces proline with alanine at codon 92 of the STRADA protein (p.Pro92Ala). The proline residue is moderately conserved and there is a small physicochemical difference between proline and alanine.